The following is an entry in ClinVar:

NM_194250.2(ZNF804A):c.1225A>G (p.Ile409Val)

Gene: ZNF804A (zinc finger protein 804A; plus strand). Cytogenetic location: 2q32.1.
Variant type: single nucleotide variant.
Coding change: c.1225A>G on transcript NM_194250.2 (MANE Select); coding-DNA position 1225, A replaced by G.
Protein change: p.Ile409Val; replaces isoleucine 409 with valine.
Molecular consequence: missense variant.
Genome position (GRCh38, 1-based): chr2:184,936,621, A>G. VCF-style: chr2-184936621-A-G. GRCh37 (hg19) VCF-style: chr2-185801348-A-G.
Other names: short protein forms I409V.
Identifiers: ClinVar variation 2651740 (VCV002651740.24), dbSNP rs62198466, ClinGen allele CA2015928.

ClinVar aggregate classification (germline): Likely benign (1 of 4 stars; one submission).

Allele frequency attached by ClinVar (database versions not stated): 1000 Genomes Project 0.00200; 1000 Genomes Project 30x 0.00219; TOPMed 0.00389; gnomAD 0.00393; ExAC 0.00460; ESP Exome Variant Server 0.00500; gnomAD exomes 0.00589.

Submission:

CeGaT Center for Human Genetics Tuebingen
Classification: Likely benign. Last evaluated: 2022-04-01. Review status: criteria provided, single submitter. Criteria: CeGaT Center For Human Genetics Tuebingen Variant Classification Criteria Version 2. Collection method: clinical testing. Allele origin: germline. Affected: yes. Observed: 1 variant allele.
Comment: ZNF804A: BP4